The following is an entry in ClinVar:

ClinVar aggregate classification (germline): Likely pathogenic (1 of 4 stars; one submission).

Conditions:
PCCB-related disorder. Also called: PCCB-related condition.

Submission:

PreventionGenetics, part of Exact Sciences
Classification: Likely pathogenic for PCCB-related condition. Last evaluated: 2024-10-20. Review status: criteria provided, single submitter. Criteria: ACMG Guidelines, 2015. Collection method: clinical testing. Allele origin: germline.
Comment: The PCCB c.239_241delTTG variant is predicted to result in an in-frame deletion (p.Val80del). To our knowledge, this variant has not been reported in the literature. This variant is reported in 0.0062% of alleles in individuals of African descent in gnomAD. This variant is interpreted as likely pathogenic.

NM_000532.5(PCCB):c.236TTG[1] (p.Val80del)

Gene: PCCB (propionyl-CoA carboxylase subunit beta; plus strand). Cytogenetic location: 3q22.3.
Variant type: Microsatellite.
Coding change: c.236TTG[1] on transcript NM_000532.5 (MANE Select); one copy of the 3-base unit TTG starting at c.236; the reference has two copies in a row; one copy, 3 bases deleted.
Protein change: p.Val80del; deletes valine 80.
Molecular consequence: inframe deletion.
Genome position (GRCh38, 1-based): chr3:136,255,911-136,255,913, TTG deleted; deleting any 3 consecutive bases within chr3:136,255,908-136,255,913 gives the same sequence; the position shown is the placement nearest the transcript's 3' end. VCF-style (leftmost placement, unchanged base first): chr3-136255907-TTTG-T. GRCh37 (hg19) VCF-style: chr3-135974749-TTTG-T.
Other names: c.236TTG[1], p.Val80del (NM_001178014.2); short protein forms V80del.
Identifiers: ClinVar variation 3356437 (VCV003356437.2).